The following is an entry in ClinVar:

NM_054012.4(ASS1):c.788T>A (p.Val263Glu)

Gene: ASS1 (argininosuccinate synthase 1; plus strand). Cytogenetic location: 9q34.11.
Variant type: single nucleotide variant.
Coding change: c.788T>A on transcript NM_054012.4 (MANE Select); coding-DNA position 788, T replaced by A.
Protein change: p.Val263Glu; replaces valine 263 with glutamic acid.
Molecular consequence: missense variant.
Genome position (GRCh38, 1-based): chr9:130,480,399, T>A. VCF-style: chr9-130480399-T-A. GRCh37 (hg19) VCF-style: chr9-133355786-T-A.
Other names: c.788T>A, p.Val263Glu (NM_000050.4); short protein forms V263E.
Identifiers: ClinVar variation 3649201 (VCV003649201.2).
Genomic context (GRCh38, chr9:130,480,399, plus strand): 5'-AGCCTTGCGGTAGCGCCCGAACCTAATGGACCAGTTCTTCCCACAGGGGCAAGCATGGCG[T>A]GGGCCGTATTGACATCGTGGAGAACCGCTTCATTGGAATGAAGTCCCGAGGTGAGTCTGC-3'
Protein context (NP_446464.1, residues 253-273): YLNEVAGKHG[Val263Glu]GRIDIVENRF

ClinVar aggregate classification (germline): Likely pathogenic (1 of 4 stars; one submission).

Conditions:
Citrullinemia. Identifiers: Orphanet 187, MedGen C0175683, MONDO:0015991.

Submission:

Labcorp Genetics (formerly Invitae), Labcorp
Classification: Likely pathogenic for Citrullinemia. Last evaluated: 2024-05-07. Review status: criteria provided, single submitter. Criteria: Invitae Variant Classification Sherloc (09022015). Collection method: clinical testing. Allele origin: germline.
Comment: This sequence change replaces valine, which is neutral and non-polar, with glutamic acid, which is acidic and polar, at codon 263 of the ASS1 protein (p.Val263Glu). This variant is not present in population databases (gnomAD no frequency). This missense change has been observed in individual(s) with clinical and/or biochemical features of citrullinemia (Invitae). In at least one individual the data is consistent with being in trans (on the opposite chromosome) from a pathogenic variant. Advanced modeling of protein sequence and biophysical properties (such as structural, functional, and spatial information, amino acid conservation, physicochemical variation, residue mobility, and thermodynamic stability) performed at Invitae indicates that this missense variant is expected to disrupt ASS1 protein function with a positive predictive value of 80%. This variant disrupts the p.Val263 amino acid residue in ASS1. Other variant(s) that disrupt this residue have been determined to be pathogenic (PMID: 14680976, 18473344, 18925679, 23780642). This suggests that this residue is clinically significant, and that variants that disrupt this residue are likely to be disease-causing. In summary, the currently available evidence indicates that the variant is pathogenic, but additional data are needed to prove that conclusively. Therefore, this variant has been classified as Likely Pathogenic.

Literature cited by the submitters: PubMed 14680976; PubMed 18473344; PubMed 18925679; PubMed 23780642.